The following is an entry in ClinVar:

ClinVar aggregate classification (germline): Uncertain significance (1 of 4 stars; one submission).

Submission:

Labcorp Genetics (formerly Invitae), Labcorp
Classification: Uncertain significance. Last evaluated: 2025-10-10. Review status: criteria provided, single submitter. Criteria: Invitae Variant Classification Sherloc (09022015). Collection method: clinical testing. Allele origin: germline.
Comment: This sequence change replaces glycine, which is neutral and non-polar, with glutamic acid, which is acidic and polar, at codon 436 of the TUBA8 protein (p.Gly436Glu). This variant is not present in population databases (gnomAD no frequency). This variant has not been reported in the literature in individuals affected with TUBA8-related conditions. Invitae Evidence Modeling of protein sequence and biophysical properties (such as structural, functional, and spatial information, amino acid conservation, physicochemical variation, residue mobility, and thermodynamic stability) indicates that this missense variant is not expected to disrupt TUBA8 protein function with a negative predictive value of 80%. In summary, the available evidence is currently insufficient to determine the role of this variant in disease. Therefore, it has been classified as a Variant of Uncertain Significance.

NM_018943.3(TUBA8):c.1307G>A (p.Gly436Glu)

Gene: TUBA8 (tubulin alpha 8; plus strand). Cytogenetic location: 22q11.21.
Variant type: single nucleotide variant.
Coding change: c.1307G>A on transcript NM_018943.3 (MANE Select); coding-DNA position 1307, G replaced by A.
Protein change: p.Gly436Glu; replaces glycine 436 with glutamic acid.
Molecular consequence: missense variant.
Genome position (GRCh38, 1-based): chr22:18,131,093, G>A. VCF-style: chr22-18131093-G-A. GRCh37 (hg19) VCF-style: chr22-18613860-G-A.
Other names: c.1109G>A, p.Gly370Glu (NM_001193414.2); short protein forms G436E, G370E.
Identifiers: ClinVar variation 4771759 (VCV004771759.1).